The following is an entry in ClinVar:

ClinVar aggregate classification (germline): Uncertain significance (1 of 4 stars; one submission).

Allele frequency attached by ClinVar (database versions not stated): TOPMed 0.00001.
gnomAD v4.1: 4 of 1,541,840 alleles (0.00026%); highest among the groups gnomAD compares: Middle Eastern, 0.044%; no homozygotes.

Submission:

CeGaT Center for Human Genetics Tuebingen
Classification: Uncertain significance. Last evaluated: 2023-02-01. Review status: criteria provided, single submitter. Criteria: CeGaT Center For Human Genetics Tuebingen Variant Classification Criteria Version 2. Collection method: clinical testing. Allele origin: germline. Affected: yes. Observed: 1 variant allele.
Comment: FBXO28: PM2, BP4

NM_015176.4(FBXO28):c.14C>G (p.Ala5Gly)

Genes: FBXO28 (F-box protein 28; plus strand), LOC129932579 (ATAC-STARR-seq lymphoblastoid active region 2598; plus strand). Cytogenetic location: 1q42.11.
Variant type: single nucleotide variant.
Coding change: c.14C>G on transcript NM_015176.4 (MANE Select); coding-DNA position 14, C replaced by G.
Protein change: p.Ala5Gly; replaces alanine 5 with glycine.
Molecular consequence: missense variant. On other transcripts: non-coding transcript variant (1).
Genome position (GRCh38, 1-based): chr1:224,114,143, C>G. VCF-style: chr1-224114143-C-G. GRCh37 (hg19) VCF-style: chr1-224301845-C-G.
Other names: c.14C>G, p.Ala5Gly (NM_001136115.3); short protein forms A5G.
Identifiers: ClinVar variation 2639923 (VCV002639923.24), dbSNP rs1656582279, ClinGen allele CA344750399.